The following is an entry in ClinVar:

NM_002382.5(MAX):c.171+19C>G

Genes: MAX (MYC associated transcriptional regulator X; minus strand), MAX-AS1 (MAX antisense RNA 1; plus strand). Cytogenetic location: 14q23.3.
Variant type: single nucleotide variant.
Coding change: c.171+19C>G on transcript NM_002382.5 (MANE Select); 19 bases into the intron after coding-DNA position 171, C replaced by G.
Molecular consequence: intron variant. On other transcripts: non-coding transcript variant (1).
Genome position (GRCh38, 1-based): chr14:65,093,689, G>C on the plus strand (C>G on the coding strand, the complement: MAX is on the minus strand). VCF-style: chr14-65093689-G-C. GRCh37 (hg19) VCF-style: chr14-65560407-G-C.
Other names: c.144+19C>G (NM_001271069.2, NM_001407095.1, NM_001407110.1 and 9 more transcripts); c.171+19C>G (NM_197957.4, NM_001407094.1, NM_001407104.1 and 5 more transcripts); c.-197+19C>G (NM_001407112.1, NM_001407111.1); c.-104+19C>G (NM_001407106.1, NM_001407107.1, NM_001320415.2 and 1 more transcripts); c.63+7857C>G (NM_001407098.1); c.194+19C>G (NM_001407114.1).
Identifiers: ClinVar variation 3653285 (VCV003653285.2).

ClinVar aggregate classification (germline): Uncertain significance (1 of 4 stars; one submission).

Conditions:
Hereditary pheochromocytoma and paraganglioma. Also called: Hereditary paragangliomas and pheochromocytomas; Hereditary Paraganglioma-Pheochromocytoma Syndromes; Hereditary pheochromocytoma-paraganglioma. Identifiers: Orphanet 29072, MedGen C4274332, MONDO:0017366.

Submission:

Labcorp Genetics (formerly Invitae), Labcorp
Classification: Uncertain significance for Hereditary pheochromocytoma and paraganglioma. Last evaluated: 2024-11-15. Review status: criteria provided, single submitter. Criteria: Invitae Variant Classification Sherloc (09022015). Collection method: clinical testing. Allele origin: germline.
Comment: This sequence change falls in intron 3 of the MAX gene. It does not directly change the encoded amino acid sequence of the MAX protein. This variant is not present in population databases (gnomAD no frequency). This variant has not been reported in the literature in individuals affected with MAX-related conditions. Algorithms developed to predict the effect of sequence changes on RNA splicing suggest that this variant may create or strengthen a splice site. In summary, the available evidence is currently insufficient to determine the role of this variant in disease. Therefore, it has been classified as a Variant of Uncertain Significance.